The following is an entry in ClinVar:

NM_025114.4(CEP290):c.3462dup (p.Leu1155fs)

Gene: CEP290 (centrosomal protein 290; minus strand). Cytogenetic location: 12q21.32.
Variant type: Duplication.
Coding change: c.3462dup on transcript NM_025114.4 (MANE Select); coding-DNA position 3462, one base duplicated (A; older notation c.3462dupA).
Protein change: p.Leu1155fs; shifts the reading frame from leucine 1155.
Molecular consequence: frameshift variant.
Genome position (GRCh38, 1-based): chr12:88,092,681, T duplicated on the plus strand (A on the coding strand, the reverse complement: CEP290 is on the minus strand); the first of 3 consecutive T bases (chr12:88,092,681-88,092,683); duplicating any one gives the same sequence. VCF-style (leftmost placement, unchanged base first): chr12-88092680-C-CT. GRCh37 (hg19) VCF-style: chr12-88486457-C-CT.
Other names: NM_025114.4(CEP290):c.3462dup; p.Leu1155fs; short protein forms L1155fs.
Identifiers: ClinVar variation 813157 (VCV000813157.39), dbSNP rs2037140260, ClinGen allele CA1139662802.
Genomic context (GRCh38, chr12:88,092,680, plus strand): 5'-TTAAAGACAAATTAAAGAAGATACATCTAGTCAAATGGCTAAAATGCTTATATGCACTTA[C>CT]TTTGACACTTCAACTTTTAGTTCCATTTCATTCTTCTCTAATTCTAGAATCCGTTGCCTA-3'

ClinVar aggregate classification (germline): Likely pathogenic. Review status: reviewed by expert panel (3 of 4 stars). 3 submissions from 3 submitters: Likely pathogenic (1). 2 of the submissions do not count toward it. Last evaluated 2026-07-20.

Conditions:
CEP290-related ciliopathy. Also called: CEP290 ciliopathy. Identifiers: MedGen CN305601, MONDO:0100451.
Retinitis pigmentosa (RP). Identifiers: Orphanet 791, MedGen C0035334, MeSH D012174, MONDO:0019200, OMIM 268000. Inheritance: Autosomal dominant, autosomal recessive and X linked inheritance.

Submissions (3):

ClinGen Leber Congenital Amaurosis/early Onset Retinal Dystrophy Variant Curation Expert Panel, ClinGen
Classification: Likely pathogenic for CEP290-related ciliopathy. Last evaluated: 2026-07-20. Review status: reviewed by expert panel. Criteria: ClinGen LCAeoRD ACMG Specifications CEP290 V1.0.0. Collection method: curation. Allele origin: germline. Inheritance: Autosomal recessive inheritance.
Comment: NM_025114.4(CEP290):c.3461dup (p.Leu1155ThrfsTer6) is a frameshift variant that introduces a premature stop codon into exon 30 of 54 and is predicted to lead to nonsense-mediated decay in a gene in which loss-of-function is an established mechanism of disease (PVS1). This variant is absent from gnomAD v4.1.0 (PM2_Supporting). This variant has been reported in at least 1 proband with early-onset severe retinal dystrophy who harbored the variant in the compound heterozygous state with the NM_025114.4(CEP290):c.2T>A (p.Met1Lys) variant suspected in trans (PMID: 32531858). However, the proband was not counted for PM3 in order to avoid circularity. There is an additional report of the variant in an inherited retinal disease cohort (PMID: 36460718) but no additional details were available. In summary, this variant meets the criteria to be classified as Likely Pathogenic for CEP290-related ciliopathy based on the ACMG/AMP criteria applied, as specified by the ClinGen LCA/eoRD VCEP: PVS1 and PM2_Supporting. (LCA/eoRD VCEP Specifications for CEP290 Version 1.0.0)

Molecular Genetics Laboratory, Institute for Ophthalmic Research
Classification: Pathogenic for Retinitis pigmentosa. Last evaluated: 2020-01-09. Review status: criteria provided, single submitter. Criteria: ACMG Guidelines, 2015. Collection method: research. Allele origin: germline. Affected: yes. Not counted in ClinVar's aggregate classification.

CeGaT Center for Human Genetics Tuebingen
Classification: Pathogenic. Last evaluated: 2018-08-01. Review status: criteria provided, single submitter. Criteria: CeGaT Center For Human Genetics Tuebingen Variant Classification Criteria Version 2. Collection method: clinical testing. Allele origin: germline. Affected: yes. Observed: 1 variant allele. Not counted in ClinVar's aggregate classification.